The following is an entry in ClinVar:

ClinVar aggregate classification (germline): Uncertain significance (1 of 4 stars; one submission).

Conditions:
Arrhythmogenic right ventricular dysplasia 13. Also called: ARRHYTHMOGENIC RIGHT VENTRICULAR CARDIOMYOPATHY 13; Arrhythmogenic right ventricular dysplasia, familial, 13. Identifiers: MedGen C3810138, MONDO:0000908, OMIM 615616.

Allele frequency attached by ClinVar (database versions not stated): gnomAD exomes below 0.00001.
gnomAD v4.1: 1 of 1,613,996 alleles (0.000062%); highest among the groups gnomAD compares: Non-Finnish European, 0.000085%; no homozygotes.

Submission:

Labcorp Genetics (formerly Invitae), Labcorp
Classification: Uncertain significance for Arrhythmogenic right ventricular dysplasia 13. Last evaluated: 2017-05-31. Review status: criteria provided, single submitter. Criteria: Invitae Variant Classification Sherloc (09022015). Collection method: clinical testing. Allele origin: germline.
Comment: In summary, this variant has uncertain impact on CTNNA3 function. The available evidence is currently insufficient to determine its role in disease. Therefore, it has been classified as a Variant of Uncertain Significance. Algorithms developed to predict the effect of missense changes on protein structure and function do not agree on the potential impact of this missense change (SIFT: "Deleterious"; PolyPhen-2: "Possibly Damaging"; Align-GVGD: "Class C0"). This variant has not been reported in the literature in individuals with a CTNNA3-related disease. This variant is not present in population databases (ExAC no frequency). This sequence change replaces leucine with phenylalanine at codon 217 of the CTNNA3 protein (p.Leu217Phe). The leucine residue is moderately conserved and there is a small physicochemical difference between leucine and phenylalanine.

NM_013266.4(CTNNA3):c.649C>T (p.Leu217Phe)

Gene: CTNNA3 (catenin alpha 3; minus strand). Cytogenetic location: 10q21.3.
Variant type: single nucleotide variant.
Coding change: c.649C>T on transcript NM_013266.4 (MANE Select); coding-DNA position 649, C replaced by T.
Protein change: p.Leu217Phe; replaces leucine 217 with phenylalanine.
Molecular consequence: missense variant.
Genome position (GRCh38, 1-based): chr10:67,219,801, G>A on the plus strand (C>T on the coding strand, the complement: CTNNA3 is on the minus strand). VCF-style: chr10-67219801-G-A. GRCh37 (hg19) VCF-style: chr10-68979559-G-A.
Other names: c.649C>T, p.Leu217Phe (NM_001127384.3); c.685C>T, p.Leu229Phe (NM_001291133.2); short protein forms L217F, L229F.
Identifiers: ClinVar variation 474825 (VCV000474825.8), dbSNP rs374834298, ClinGen allele CA377095890.